The following is an entry in ClinVar:

NM_152393.4(KLHL40):c.653C>T (p.Pro218Leu)

Gene: KLHL40 (kelch like family member 40; plus strand). Cytogenetic location: 3p22.1.
Variant type: single nucleotide variant.
Coding change: c.653C>T on transcript NM_152393.4 (MANE Select); coding-DNA position 653, C replaced by T.
Protein change: p.Pro218Leu; replaces proline 218 with leucine.
Molecular consequence: missense variant.
Genome position (GRCh38, 1-based): chr3:42,686,271, C>T. VCF-style: chr3-42686271-C-T. GRCh37 (hg19) VCF-style: chr3-42727763-C-T.
Other names: c.653C>T (NM_152393.2); short protein forms P218L.
Identifiers: ClinVar variation 1001307 (VCV001001307.5), dbSNP rs1023047173, ClinGen allele CA74191880.

ClinVar aggregate classification (germline): Uncertain significance. Review status: criteria provided, multiple submitters, no conflicts (2 of 4 stars). 2 submissions from 2 submitters: Uncertain significance (2). Last evaluated 2025-06-09.

Conditions:
Nemaline myopathy 8 (NEM8). Also called: Nemaline myopathy 8, autosomal recessive. Identifiers: Orphanet 171430, MedGen C3809209, MONDO:0014138, OMIM 615348.
Inborn genetic diseases. Identifiers: MedGen C0950123, MeSH D030342.

Allele frequency attached by ClinVar (database versions not stated): TOPMed 0.00004; gnomAD exomes 0.00003; gnomAD 0.00002 and 0.00004.
gnomAD v4.1: 27 of 1,562,138 alleles (0.0017%); highest among the groups gnomAD compares: East Asian, 0.012%; no homozygotes.

Submissions (2):

Ambry Genetics
Classification: Uncertain significance for Inborn genetic diseases. Last evaluated: 2025-06-09. Review status: criteria provided, single submitter. Criteria: Ambry Variant Classification Scheme 2023. Collection method: clinical testing. Allele origin: germline.

Labcorp Genetics (formerly Invitae), Labcorp
Classification: Uncertain significance for Nemaline myopathy 8. Last evaluated: 2022-09-07. Review status: criteria provided, single submitter. Criteria: Invitae Variant Classification Sherloc (09022015). Collection method: clinical testing. Allele origin: germline.
Comment: This sequence change replaces proline, which is neutral and non-polar, with leucine, which is neutral and non-polar, at codon 218 of the KLHL40 protein (p.Pro218Leu). This variant is present in population databases (no rsID available, gnomAD 0.03%). This variant has not been reported in the literature in individuals affected with KLHL40-related conditions. ClinVar contains an entry for this variant (Variation ID: 1001307). Algorithms developed to predict the effect of missense changes on protein structure and function (SIFT, PolyPhen-2, Align-GVGD) all suggest that this variant is likely to be disruptive. In summary, the available evidence is currently insufficient to determine the role of this variant in disease. Therefore, it has been classified as a Variant of Uncertain Significance.